The following is an entry in ClinVar:

ClinVar aggregate classification (germline): Conflicting classifications of pathogenicity. Review status: criteria provided, conflicting classifications (1 of 4 stars). 2 submissions from 2 submitters: Likely pathogenic (1); Uncertain significance (1). Last evaluated 2024-05-15.

Submissions (2):

Athena Diagnostics
Classification: Uncertain significance. Last evaluated: 2024-05-15. Review status: criteria provided, single submitter. Criteria: Athena Diagnostics Criteria. Collection method: clinical testing. Allele origin: unknown.
Comment: Available data are insufficient to determine the clinical significance of the variant at this time. This variant has not been reported in large, multi-ethnic general populations. This variant has been identified in at least one individual with clinical features associated with this gene. Polyphen and MutationTaster predict this amino acid change may be damaging to the protein.

Labcorp Genetics (formerly Invitae), Labcorp
Classification: Likely pathogenic. Last evaluated: 2023-11-27. Review status: criteria provided, single submitter. Criteria: Invitae Variant Classification Sherloc (09022015). Collection method: clinical testing. Allele origin: germline.
Comment: This sequence change replaces aspartic acid, which is acidic and polar, with glycine, which is neutral and non-polar, at codon 654 of the OPA1 protein (p.Asp654Gly). This variant is not present in population databases (gnomAD no frequency). This missense change has been observed in individuals with autosomal dominant optic atrophy (PMID: 31500643, 32025183, 34147274; Invitae). This variant is also known as c.2126A>G, p.D709G. ClinVar contains an entry for this variant (Variation ID: 1466611). Advanced modeling of protein sequence and biophysical properties (such as structural, functional, and spatial information, amino acid conservation, physicochemical variation, residue mobility, and thermodynamic stability) performed at Invitae indicates that this missense variant is expected to disrupt OPA1 protein function with a positive predictive value of 80%. Algorithms developed to predict the effect of sequence changes on RNA splicing suggest that this variant may disrupt the consensus splice site. In summary, the currently available evidence indicates that the variant is pathogenic, but additional data are needed to prove that conclusively. Therefore, this variant has been classified as Likely Pathogenic.

Literature cited by the submitters: PubMed 31500643 (cited by Athena Diagnostics and Labcorp Genetics (formerly Invitae), Labcorp); PubMed 32025183 (cited by Athena Diagnostics and Labcorp Genetics (formerly Invitae), Labcorp); PubMed 34147274 (cited by Athena Diagnostics and Labcorp Genetics (formerly Invitae), Labcorp); PubMed 37734845 (cited by Athena Diagnostics).

NM_130837.3(OPA1):c.2126A>G (p.Asp709Gly)

Gene: OPA1 (OPA1 mitochondrial dynamin like GTPase; plus strand). Cytogenetic location: 3q29.
Variant type: single nucleotide variant.
Coding change: c.2126A>G on transcript NM_130837.3 (MANE Select); coding-DNA position 2126, A replaced by G.
Protein change: p.Asp709Gly; replaces aspartic acid 709 with glycine.
Molecular consequence: missense variant.
Genome position (GRCh38, 1-based): chr3:193,654,975, A>G. VCF-style: chr3-193654975-A-G. GRCh37 (hg19) VCF-style: chr3-193372764-A-G.
Other names: c.1592A>G, p.Asp531Gly (NM_001354663.2); c.1589A>G, p.Asp530Gly (NM_001354664.2); c.1961A>G, p.Asp654Gly (NM_015560.3); c.1853A>G, p.Asp618Gly (NM_130831.3); c.1907A>G, p.Asp636Gly (NM_130832.3); c.1964A>G, p.Asp655Gly (NM_130833.3); c.2015A>G, p.Asp672Gly (NM_130834.3); c.2018A>G, p.Asp673Gly (NM_130835.3); and 1 more; short protein forms D636G, D654G, D655G, D691G, D530G, D618G, D672G, D531G.
Identifiers: ClinVar variation 1466611 (VCV001466611.10), dbSNP rs2109139343, ClinGen allele CA355791216.